The following is an entry in ClinVar:

ClinVar aggregate classification (germline): Uncertain significance (1 of 4 stars; one submission).

Allele frequency attached by ClinVar (database versions not stated): TOPMed 0.00003; gnomAD 0.00005.
gnomAD v4.1: 8 of 1,614,216 alleles (0.0005%); highest among the groups gnomAD compares: African/African-American, 0.0093%; no homozygotes.

Submission:

Labcorp Genetics (formerly Invitae), Labcorp
Classification: Uncertain significance. Last evaluated: 2022-08-07. Review status: criteria provided, single submitter. Criteria: Invitae Variant Classification Sherloc (09022015). Collection method: clinical testing. Allele origin: germline.
Comment: This sequence change replaces serine, which is neutral and polar, with phenylalanine, which is neutral and non-polar, at codon 304 of the ABHD5 protein (p.Ser304Phe). This variant is present in population databases (no rsID available, gnomAD 0.0009%). This variant has not been reported in the literature in individuals affected with ABHD5-related conditions. Algorithms developed to predict the effect of missense changes on protein structure and function are either unavailable or do not agree on the potential impact of this missense change (SIFT: "Deleterious"; PolyPhen-2: "Possibly Damaging"; Align-GVGD: "Class C15"). In summary, the available evidence is currently insufficient to determine the role of this variant in disease. Therefore, it has been classified as a Variant of Uncertain Significance.

NM_016006.6(ABHD5):c.911C>T (p.Ser304Phe)

Gene: ABHD5 (abhydrolase domain containing 5, lysophosphatidic acid acyltransferase; plus strand). Cytogenetic location: 3p21.33.
Variant type: single nucleotide variant.
Coding change: c.911C>T on transcript NM_016006.6 (MANE Select); coding-DNA position 911, C replaced by T.
Protein change: p.Ser304Phe; replaces serine 304 with phenylalanine.
Molecular consequence: missense variant. On other transcripts: non-coding transcript variant (1), intron variant (1).
Genome position (GRCh38, 1-based): chr3:43,717,808, C>T. VCF-style: chr3-43717808-C-T. GRCh37 (hg19) VCF-style: chr3-43759300-C-T.
Other names: c.911C>T, p.Ser304Phe (NM_001355186.2); c.788C>T, p.Ser263Phe (NM_001365649.1); c.774-635C>T (NM_001365650.1); short protein forms S304F, S263F.
Identifiers: ClinVar variation 2182195 (VCV002182195.1), dbSNP rs1239719847, ClinGen allele CA352347727.